The following is an entry in ClinVar:

NM_015450.3(POT1):c.1006+2T>C

Gene: POT1 (protection of telomeres 1; minus strand). Cytogenetic location: 7q31.33.
Variant type: single nucleotide variant.
Coding change: c.1006+2T>C on transcript NM_015450.3 (MANE Select); the canonical splice donor site of the intron after coding-DNA position 1006, T replaced by C.
Molecular consequence: splice donor variant.
Genome position (GRCh38, 1-based): chr7:124,846,940, A>G on the plus strand (T>C on the coding strand, the complement: POT1 is on the minus strand). VCF-style: chr7-124846940-A-G. GRCh37 (hg19) VCF-style: chr7-124486994-A-G.
Other names: c.613+2T>C (NM_001042594.2).
Identifiers: ClinVar variation 943555 (VCV000943555.27), dbSNP rs1795183662, ClinGen allele CA369053327.

ClinVar aggregate classification (germline): Conflicting classifications of pathogenicity. Review status: criteria provided, conflicting classifications (1 of 4 stars). 3 submissions from 3 submitters: Likely pathogenic (2); Uncertain significance (1). Last evaluated 2026-01-10.

Conditions:
Hereditary cancer-predisposing syndrome. Also called: Neoplastic Syndromes, Hereditary; Tumor predisposition; Hereditary neoplastic syndrome; Hereditary Cancer Syndrome. Identifiers: Orphanet 140162, MedGen C0027672, MeSH D009386, MONDO:0015356.
Tumor predisposition syndrome 3 (TPDS3). Also called: Melanoma, cutaneous malignant, susceptibility to, 10; Glioma susceptibility 9; LONG TELOMERE SYNDROME, POT1-RELATED; POT1 Tumor Predisposition. Identifiers: Orphanet 618, MedGen C4014476, MONDO:0014368, OMIM 615848.

Allele frequency attached by ClinVar (database versions not stated): gnomAD exomes below 0.00001.
gnomAD v4.1: 1 of 1,585,892 alleles (0.000063%); highest among the groups gnomAD compares: Non-Finnish European, 0.000087%; no homozygotes.

Submissions (3):

Labcorp Genetics (formerly Invitae), Labcorp
Classification: Likely pathogenic for Tumor predisposition syndrome 3. Last evaluated: 2026-01-10. Review status: criteria provided, single submitter. Criteria: Invitae Variant Classification Sherloc (09022015). Collection method: clinical testing. Allele origin: germline.
Comment: This sequence change affects a donor splice site in intron 12 of the POT1 gene. RNA analysis indicates that disruption of this splice site induces altered splicing and may result in an absent or altered protein product. This variant is not present in population databases (gnomAD no frequency). This variant has not been reported in the literature in individuals affected with POT1-related conditions. ClinVar contains an entry for this variant (Variation ID: 943555). Studies have shown that disruption of this splice site results in activation of a cryptic splice site, and produces a non-functional protein and/or introduces a premature termination codon (internal data). In summary, the currently available evidence indicates that the variant is pathogenic, but additional data are needed to prove that conclusively. Therefore, this variant has been classified as Likely Pathogenic.

Ambry Genetics
Classification: Uncertain significance for Hereditary cancer-predisposing syndrome. Last evaluated: 2025-01-27. Review status: criteria provided, single submitter. Criteria: Ambry Variant Classification Scheme 2023. Collection method: clinical testing. Allele origin: germline.
Comment: The c.1006+2T>C intronic variant results from a T to C substitution two nucleotides after coding exon 8 in the POT1 gene. This nucleotide position is highly conserved in available vertebrate species. In silico splice site analysis predicts that this alteration will weaken the native splice donor site. Alterations that disrupt the canonical splice site are expected to result in aberrant splicing. The resulting transcript is predicted to be in-frame and is not expected to trigger nonsense-mediated mRNA decay; however, direct evidence is unavailable. The exact functional effect of the altered amino acid sequence is unknown. Additionally, +2T>C alterations are capable of generating wild-type transcripts in some genomic contexts and should be interpreted with caution (Lin JH et al. Hum Mutat. 2019 10;40:1856-1873). Since supporting evidence is limited at this time, the clinical significance of this alteration remains unclear.

CeGaT Center for Human Genetics Tuebingen
Classification: Likely pathogenic. Last evaluated: 2024-08-01. Review status: criteria provided, single submitter. Criteria: CeGaT Center For Human Genetics Tuebingen Variant Classification Criteria Version 2. Collection method: clinical testing. Allele origin: germline. Affected: yes. Observed: 1 variant allele.
Comment: POT1: PVS1:Strong, PM2